The following is an entry in ClinVar:

ClinVar aggregate classification (germline): Conflicting classifications of pathogenicity. Review status: criteria provided, conflicting classifications (1 of 4 stars). 2 submissions from 2 submitters: Uncertain significance (1); Likely benign (1). Last evaluated 2023-11-28.

Conditions:
Hereditary cancer-predisposing syndrome. Also called: Neoplastic Syndromes, Hereditary; Tumor predisposition; Hereditary Cancer Syndrome; Hereditary neoplastic syndrome. Identifiers: Orphanet 140162, MedGen C0027672, MeSH D009386, MONDO:0015356.
Rhabdoid tumor predisposition syndrome 2 (RTPS2). Identifiers: Orphanet 231108, Orphanet 69077, MedGen C2750074, MONDO:0013224, OMIM 613325.

Submissions (2):

Labcorp Genetics (formerly Invitae), Labcorp
Classification: Likely benign for Rhabdoid tumor predisposition syndrome 2. Last evaluated: 2023-11-28. Review status: criteria provided, single submitter. Criteria: Invitae Variant Classification Sherloc (09022015). Collection method: clinical testing. Allele origin: germline.

Ambry Genetics
Classification: Uncertain significance for Hereditary cancer-predisposing syndrome. Last evaluated: 2022-03-15. Review status: criteria provided, single submitter. Criteria: Ambry Variant Classification Scheme 2023. Collection method: clinical testing. Allele origin: germline.
Comment: The c.3775-5C>T intronic variant results from a C to T substitution 5 nucleotides upstream from coding exon 26 in the SMARCA4 gene. This nucleotide position is highly conserved in available vertebrate species. In silico splice site analysis predicts that this alteration will not have any significant effect on splicing. Since supporting evidence is limited at this time, the clinical significance of this alteration remains unclear.

NM_003072.5(SMARCA4):c.3775-5C>T

Gene: SMARCA4 (SWI/SNF related BAF chromatin remodeling complex subunit ATPase 4; plus strand). Cytogenetic location: 19p13.2.
Variant type: single nucleotide variant.
Coding change: c.3775-5C>T on transcript NM_003072.5 (MANE Select); 5 bases into the intron before coding-DNA position 3775, C replaced by T.
Molecular consequence: intron variant.
Genome position (GRCh38, 1-based): chr19:11,033,762, C>T. VCF-style: chr19-11033762-C-T. GRCh37 (hg19) VCF-style: chr19-11144438-C-T.
Other names: c.3775-5C>T (NM_001128844.3, NM_001128849.3, NM_001387283.1); c.3774+245C>T (NM_001128847.4, NM_001374457.1, NM_001128845.2 and 2 more transcripts).
Identifiers: ClinVar variation 1734786 (VCV001734786.5), dbSNP rs2146664115, ClinGen allele CA2580096306.